The following is an entry in ClinVar:

NM_000492.4(CFTR):c.1209+568A>G

Genes: CFTR (CF transmembrane conductance regulator; plus strand), CFTR-AS1 (CFTR antisense RNA 1; minus strand). Cytogenetic location: 7q31.2.
Variant type: single nucleotide variant.
Coding change: c.1209+568A>G on transcript NM_000492.4 (MANE Select); 568 bases into the intron after coding-DNA position 1209, A replaced by G.
Molecular consequence: intron variant.
Genome position (GRCh38, 1-based): chr7:117,542,676, A>G. VCF-style: chr7-117542676-A-G. GRCh37 (hg19) VCF-style: chr7-117182730-A-G.
Identifiers: ClinVar variation 2575229 (VCV002575229.2), dbSNP rs781590079, ClinGen allele CA164956241.

ClinVar aggregate classification (germline): Uncertain significance (1 of 4 stars; one submission).

Conditions:
Cystic fibrosis (CF). Also called: MUCOVISCIDOSIS. Identifiers: Orphanet 586, MedGen C0010674, MONDO:0009061, OMIM 219700. Disease mechanism: loss of function.

Allele frequency attached by ClinVar (database versions not stated): gnomAD 0.00007; TOPMed 0.00007.
gnomAD v4.1: 11 of 152,232 alleles (0.0072%); highest among the groups gnomAD compares: Non-Finnish European, 0.012%; no homozygotes.

Submission:

Johns Hopkins Genomics, Johns Hopkins University
Classification: Uncertain significance for Cystic fibrosis. Last evaluated: 2023-06-06. Review status: criteria provided, single submitter. Criteria: ACMG Guidelines, 2015. Collection method: clinical testing. Allele origin: germline.
Comment: This CFTR intronic variant (rs781590079) is rare (<0.1%) in a large population dataset (gnomADv3.1.2: 11/152232 total alleles; 0.0072%; no homozygotes) and has not been reported in ClinVar nor the literature, to our knowledge. Bioinformatic analysis predicts that this intronic variant may create a cryptic donor splice site although this has not been confirmed experimentally to our knowledge. We consider the clinical significance of CFTR c.1209+568A>G to be uncertain at this time.